The following is an entry in ClinVar:

NM_001257180.2(SLC20A2):c.1637_1638del (p.Thr546fs)

Gene: SLC20A2 (solute carrier family 20 member 2; minus strand). Cytogenetic location: 8p11.21.
Variant type: Microsatellite.
Coding change: c.1637_1638del on transcript NM_001257180.2 (MANE Select); coding-DNA positions 1637 to 1638, 2 bases deleted (CA; older notation c.1637_1638delCA).
Protein change: p.Thr546fs; shifts the reading frame from threonine 546.
Molecular consequence: frameshift variant.
Genome position (GRCh38, 1-based): chr8:42,430,135-42,430,136, TG deleted on the plus strand (CA on the coding strand, the reverse complement: SLC20A2 is on the minus strand); deleting any 2 consecutive bases within chr8:42,430,135-42,430,138 gives the same sequence; the c. name uses the placement nearest the transcript's 3' end. VCF-style (leftmost placement, unchanged base first): chr8-42430134-CTG-C. GRCh37 (hg19) VCF-style: chr8-42287652-CTG-C.
Other names: c.1637_1638del, p.Thr546fs (NM_001257181.2, NM_006749.5); short protein forms T546fs.
Identifiers: ClinVar variation 1705290 (VCV001705290.1), dbSNP rs2487096929, ClinGen allele CA2580614348.

ClinVar aggregate classification (germline): Pathogenic (1 of 4 stars; one submission).

Conditions:
Idiopathic basal ganglia calcification 1 (PFBC1A). Also called: Fahr's syndrome; Cerebral calcification nonarteriosclerotic idiopathic adult-onset; Striopallidodentate calcinosis autosomal dominant adult-onset; Ferrocalcinosis, cerebrovascular; Fahr disease, familial (formerly); Familial Idiopathic Basal Ganglia Calcification 2. Identifiers: Orphanet 1980, MedGen C4551624, MONDO:0024538, OMIM 213600.

Submission:

3billion
Classification: Pathogenic for Idiopathic basal ganglia calcification 1. Last evaluated: 2022-09-01. Review status: criteria provided, single submitter. Criteria: ACMG Guidelines, 2015. Collection method: clinical testing. Allele origin: germline. Affected: yes. Observed: 1 heterozygote.
Comment: The variant is not observed in the gnomAD v2.1.1 dataset. It is predicted to result in a loss or disruption of normal protein function through nonsense-mediated decay (NMD) or protein truncation. Multiple pathogenic variants are reported downstream of the variant. The variant has been reported to be associated with SLC20A2-related disorder (PMID: 29955172). Therefore, this variant is classified as Pathogenic according to the recommendation of ACMG/AMP guideline.

Literature cited by the submitters: PubMed 29955172.